The following is an entry in ClinVar:

NM_020433.5(JPH2):c.472_492dup (p.Ser164_Ser165insProLeuArgThrSerLeuSer)

Gene: JPH2 (junctophilin 2; minus strand). Cytogenetic location: 20q13.12.
Variant type: Duplication.
Coding change: c.472_492dup on transcript NM_020433.5 (MANE Select); coding-DNA positions 472 to 492, 21 bases duplicated (CCGCTGCGCACGTCGCTGTCG).
Protein change: p.Ser164_Ser165insProLeuArgThrSerLeuSer.
Molecular consequence: inframe insertion.
Genome position (GRCh38, 1-based): chr20:44,160,295-44,160,315, CGACAGCGACGTGCGCAGCGG duplicated on the plus strand (CCGCTGCGCACGTCGCTGTCG on the coding strand, the reverse complement: JPH2 is on the minus strand); duplicating any 21 consecutive bases within chr20:44,160,295-44,160,318 gives the same sequence; the c. name uses the placement nearest the transcript's 3' end. VCF-style (leftmost placement, unchanged base first): chr20-44160294-A-ACGACAGCGACGTGCGCAGCGG. GRCh37 (hg19) VCF-style: chr20-42788934-A-ACGACAGCGACGTGCGCAGCGG.
Identifiers: ClinVar variation 4799466 (VCV004799466.1).

ClinVar aggregate classification (germline): Uncertain significance (1 of 4 stars; one submission).

Conditions:
Hypertrophic cardiomyopathy. Also called: HYPERTROPHIC MYOCARDIOPATHY. Identifiers: Orphanet 217569, MedGen C0007194, MeSH D002312, MONDO:0005045, HP:0001639.

Submission:

Labcorp Genetics (formerly Invitae), Labcorp
Classification: Uncertain significance for Hypertrophic cardiomyopathy. Last evaluated: 2025-10-18. Review status: criteria provided, single submitter. Criteria: Invitae Variant Classification Sherloc (09022015). Collection method: clinical testing. Allele origin: germline.
Comment: This variant, c.472_492dup, results in the insertion of 7 amino acid(s) of the JPH2 protein (p.Pro158_Ser164dup), but otherwise preserves the integrity of the reading frame. This variant is not present in population databases (gnomAD no frequency). This variant has not been reported in the literature in individuals affected with JPH2-related conditions. In summary, the available evidence is currently insufficient to determine the role of this variant in disease. Therefore, it has been classified as a Variant of Uncertain Significance.